The following is an entry in ClinVar:

NM_002294.3(LAMP2):c.1204C>A (p.His402Asn)

Gene: LAMP2 (lysosome associated membrane protein 2; minus strand). Cytogenetic location: Xq24.
Variant type: single nucleotide variant.
Coding change: c.1204C>A on transcript NM_002294.3 (MANE Select); coding-DNA position 1204, C replaced by A.
Protein change: p.His402Asn; replaces histidine 402 with asparagine.
Molecular consequence: missense variant. On other transcripts: intron variant (1).
Genome position (GRCh38, 1-based): chrX:120,431,352, G>T on the plus strand (C>A on the coding strand, the complement: LAMP2 is on the minus strand). VCF-style: chrX-120431352-G-T. GRCh37 (hg19) VCF-style: chrX-119565207-G-T.
Other names: c.1094-2726C>A (NM_001122606.1); short protein forms H402N.
Identifiers: ClinVar variation 1041551 (VCV001041551.8), dbSNP rs1418868953, ClinGen allele CA414398115.

ClinVar aggregate classification (germline): Uncertain significance (1 of 4 stars; one submission).

Conditions:
Danon disease. Also called: ANTOPOL DISEASE; Glycogen Storage Disease Type IIb; PSEUDOGLYCOGENOSIS II; GSD IIb; LYSOSOMAL GLYCOGEN STORAGE DISEASE WITHOUT ACID MALTASE DEFICIENCY. Identifiers: Orphanet 34587, MedGen C0878677, MONDO:0010281, OMIM 300257.

Allele frequency attached by ClinVar (database versions not stated): gnomAD exomes below 0.00001.
gnomAD v4.1: 2 of 1,209,721 alleles (0.00017%); highest among the groups gnomAD compares: Admixed American, 0.0043%; no homozygotes.

Submission:

Labcorp Genetics (formerly Invitae), Labcorp
Classification: Uncertain significance for Danon disease. Last evaluated: 2020-09-19. Review status: criteria provided, single submitter. Criteria: Invitae Variant Classification Sherloc (09022015). Collection method: clinical testing. Allele origin: germline.
Comment: In summary, the available evidence is currently insufficient to determine the role of this variant in disease. Therefore, it has been classified as a Variant of Uncertain Significance. Algorithms developed to predict the effect of missense changes on protein structure and function are either unavailable or do not agree on the potential impact of this missense change (SIFT: "Deleterious"; PolyPhen-2: "Benign"; Align-GVGD: "Class C15"). This variant has not been reported in the literature in individuals with LAMP2-related conditions. This variant is not present in population databases (ExAC no frequency). This sequence change replaces histidine with asparagine at codon 402 of the LAMP2 protein (p.His402Asn). The histidine residue is weakly conserved and there is a small physicochemical difference between histidine and asparagine.